The following is an entry in ClinVar:

NM_001394998.1(TANC2):c.1613A>G (p.Tyr538Cys)

Gene: TANC2 (tetratricopeptide repeat, ankyrin repeat and coiled-coil containing 2; plus strand). Cytogenetic location: 17q23.3.
Variant type: single nucleotide variant.
Coding change: c.1613A>G on transcript NM_001394998.1 (MANE Select); coding-DNA position 1613, A replaced by G.
Protein change: p.Tyr538Cys; replaces tyrosine 538 with cysteine.
Molecular consequence: missense variant.
Genome position (GRCh38, 1-based): chr17:63,340,138, A>G. VCF-style: chr17-63340138-A-G. GRCh37 (hg19) VCF-style: chr17-61417499-A-G.
Other names: c.1391A>G, p.Tyr464Cys (NM_025185.4); short protein forms Y464C, Y538C.
Identifiers: ClinVar variation 1316033 (VCV001316033.3), dbSNP rs2046178308, ClinGen allele CA400519282.

ClinVar aggregate classification (germline): Uncertain significance (1 of 4 stars; one submission).

Allele frequency attached by ClinVar (database versions not stated): gnomAD exomes below 0.00001; TOPMed below 0.00001.
gnomAD v4.1: 2 of 1,613,880 alleles (0.00012%); highest among the groups gnomAD compares: Admixed American, 0.0017%; no homozygotes.

Submission:

GeneDx
Classification: Uncertain significance. Last evaluated: 2019-12-16. Review status: criteria provided, single submitter. Criteria: GeneDx Variant Classification Process June 2021. Collection method: clinical testing. Allele origin: germline. Affected: yes.
Comment: Has not been previously published as pathogenic or benign to our knowledge; Not observed in large population cohorts (Lek et al., 2016); In silico analysis, which includes protein predictors and evolutionary conservation, supports a deleterious effect